The following is an entry in ClinVar:

NM_001394062.1(MACF1):c.21795G>A (p.Arg7265=)

Gene: MACF1 (microtubule actin crosslinking factor 1; plus strand). Cytogenetic location: 1p34.3.
Variant type: single nucleotide variant.
Coding change: c.21795G>A on transcript NM_001394062.1 (MANE Select); coding-DNA position 21795, G replaced by A.
Protein change: p.Arg7265=; no amino-acid change (arginine 7265 retained).
Molecular consequence: synonymous variant.
Genome position (GRCh38, 1-based): chr1:39,468,638, G>A. VCF-style: chr1-39468638-G-A. GRCh37 (hg19) VCF-style: chr1-39934310-G-A.
Other names: c.9855G>A, p.Arg3285= (NM_001397473.1); c.15600G>A, p.Arg5200= (NM_012090.5).
Identifiers: ClinVar variation 2056965 (VCV002056965.27), dbSNP rs141731743, ClinGen allele CA784767.

ClinVar aggregate classification (germline): Benign/Likely benign. Review status: criteria provided, multiple submitters, no conflicts (2 of 4 stars). 3 submissions from 3 submitters: Benign (1); Likely benign (2). Last evaluated 2025-12-20.

Allele frequency attached by ClinVar (database versions not stated): 1000 Genomes Project 30x 0.00016; 1000 Genomes Project 0.00020; ExAC 0.00068; TOPMed 0.00068; gnomAD 0.00070; ESP Exome Variant Server 0.00115.
gnomAD v4.1: 2,080 of 1,614,116 alleles (0.13%); highest among the groups gnomAD compares: Non-Finnish European, 0.16%; 2 homozygotes.

Submissions (3):

Labcorp Genetics (formerly Invitae), Labcorp
Classification: Benign. Last evaluated: 2025-12-20. Review status: criteria provided, single submitter. Criteria: Invitae Variant Classification Sherloc (09022015). Collection method: clinical testing. Allele origin: germline.

CeGaT Center for Human Genetics Tuebingen
Classification: Likely benign. Last evaluated: 2025-02-01. Review status: criteria provided, single submitter. Criteria: CeGaT Center For Human Genetics Tuebingen Variant Classification Criteria Version 2. Collection method: clinical testing. Allele origin: germline. Affected: yes. Observed: 4 variant alleles.
Comment: MACF1: BP4, BS1

Blueprint Genetics
Classification: Likely benign. Last evaluated: 2024-10-17. Review status: criteria provided, single submitter. Criteria: ACMG Guidelines, 2015. Collection method: clinical testing. Allele origin: germline.